The following is an entry in ClinVar:

ClinVar aggregate classification (germline): Uncertain significance (1 of 4 stars; one submission).

Allele frequency attached by ClinVar (database versions not stated): gnomAD exomes below 0.00001 and 0.00002; gnomAD 0.00001; ExAC 0.00002.
gnomAD v4.1: 7 of 1,613,760 alleles (0.00043%); highest among the groups gnomAD compares: Admixed American, 0.0033%; no homozygotes.

Submission:

Labcorp Genetics (formerly Invitae), Labcorp
Classification: Uncertain significance. Last evaluated: 2025-12-01. Review status: criteria provided, single submitter. Criteria: Invitae Variant Classification Sherloc (09022015). Collection method: clinical testing. Allele origin: germline.
Comment: This sequence change replaces isoleucine, which is neutral and non-polar, with threonine, which is neutral and polar, at codon 1870 of the KMT2A protein (p.Ile1870Thr). This variant is present in population databases (rs781950327, gnomAD 0.007%). This variant has not been reported in the literature in individuals affected with KMT2A-related conditions. ClinVar contains an entry for this variant (Variation ID: 1413687). Invitae Evidence Modeling of protein sequence and biophysical properties (such as structural, functional, and spatial information, amino acid conservation, physicochemical variation, residue mobility, and thermodynamic stability) indicates that this missense variant is not expected to disrupt KMT2A protein function with a negative predictive value of 95%. In summary, the available evidence is currently insufficient to determine the role of this variant in disease. Therefore, it has been classified as a Variant of Uncertain Significance.

NM_001197104.2(KMT2A):c.5609T>C (p.Ile1870Thr)

Gene: KMT2A (lysine methyltransferase 2A; plus strand). Cytogenetic location: 11q23.3.
Variant type: single nucleotide variant.
Coding change: c.5609T>C on transcript NM_001197104.2 (MANE Select); coding-DNA position 5609, T replaced by C.
Protein change: p.Ile1870Thr; replaces isoleucine 1870 with threonine.
Molecular consequence: missense variant.
Genome position (GRCh38, 1-based): chr11:118,496,312, T>C. VCF-style: chr11-118496312-T-C. GRCh37 (hg19) VCF-style: chr11-118367027-T-C.
Other names: c.5600T>C, p.Ile1867Thr (NM_005933.4); short protein forms I1870T, I1867T.
Identifiers: ClinVar variation 1413687 (VCV001413687.8), dbSNP rs781950327, ClinGen allele CA6304084.
Genomic context (GRCh38, chr11:118,496,312, plus strand): 5'-GATTTCAAGGTACTGATAGGAGTCGAGAAGACAGTCCAGAGCTGAACCCACCCCCAGGCA[T>C]AGAAGACAATAGACAGTGTGCGTTATGTTTGACTTATGGTGATGACAGTGCTAATGTAAG-3'
Protein context (NP_001184033.1, residues 1860-1880): DSPELNPPPG[Ile1870Thr]EDNRQCALCL